The following is an entry in ClinVar:

NM_005902.4(SMAD3):c.1142G>T (p.Gly381Val)

Gene: SMAD3 (SMAD family member 3; plus strand). Cytogenetic location: 15q22.33.
Variant type: single nucleotide variant.
Coding change: c.1142G>T on transcript NM_005902.4 (MANE Select); coding-DNA position 1142, G replaced by T.
Protein change: p.Gly381Val; replaces glycine 381 with valine.
Molecular consequence: missense variant.
Genome position (GRCh38, 1-based): chr15:67,187,497, G>T. VCF-style: chr15-67187497-G-T. GRCh37 (hg19) VCF-style: chr15-67479835-G-T.
Other names: c.827G>T, p.Gly276Val (NM_001145102.2); c.1010G>T, p.Gly337Val (NM_001145103.2); c.557G>T, p.Gly186Val (NM_001145104.2); short protein forms G186V, G276V, G337V, G381V.
Identifiers: ClinVar variation 1496537 (VCV001496537.9), dbSNP rs1963252519, ClinGen allele CA392958348.

ClinVar aggregate classification (germline): Uncertain significance. Review status: criteria provided, multiple submitters, no conflicts (2 of 4 stars). 3 submissions from 3 submitters: Uncertain significance (3). Last evaluated 2025-07-09.

Conditions:
Familial thoracic aortic aneurysm and aortic dissection (TAAD). Also called: Thoracic aortic aneurysms and dissections. Identifiers: Orphanet 91387, MedGen C4707243, MONDO:0019625.

Submissions (3):

Labcorp Genetics (formerly Invitae), Labcorp
Classification: Uncertain significance for Familial thoracic aortic aneurysm and aortic dissection. Last evaluated: 2025-07-09. Review status: criteria provided, single submitter. Criteria: Invitae Variant Classification Sherloc (09022015). Collection method: clinical testing. Allele origin: germline.
Comment: This sequence change replaces glycine, which is neutral and non-polar, with valine, which is neutral and non-polar, at codon 381 of the SMAD3 protein (p.Gly381Val). This variant is not present in population databases (gnomAD no frequency). This missense change has been observed in individual(s) with SMAD3-related conditions (internal data). ClinVar contains an entry for this variant (Variation ID: 1496537). Invitae Evidence Modeling of protein sequence and biophysical properties (such as structural, functional, and spatial information, amino acid conservation, physicochemical variation, residue mobility, and thermodynamic stability) indicates that this missense variant is expected to disrupt SMAD3 protein function with a positive predictive value of 80%. In summary, the available evidence is currently insufficient to determine the role of this variant in disease. Therefore, it has been classified as a Variant of Uncertain Significance.

GeneDx
Classification: Uncertain significance. Last evaluated: 2022-07-28. Review status: criteria provided, single submitter. Criteria: GeneDx Variant Classification Process June 2021. Collection method: clinical testing. Allele origin: germline. Affected: yes.
Comment: Has not been previously published as pathogenic or benign to our knowledge; Not observed at significant frequency in large population cohorts (gnomAD); In silico analysis supports that this missense variant has a deleterious effect on protein structure/function

Ambry Genetics
Classification: Uncertain significance for Familial thoracic aortic aneurysm and aortic dissection. Last evaluated: 2018-03-19. Review status: criteria provided, single submitter. Criteria: Ambry Variant Classification Scheme 2023. Collection method: clinical testing. Allele origin: germline.
Comment: The p.G381V variant (also known as c.1142G>T), located in coding exon 8 of the SMAD3 gene, results from a G to T substitution at nucleotide position 1142. The glycine at codon 381 is replaced by valine, an amino acid with dissimilar properties. This amino acid position is highly conserved in available vertebrate species. In addition, this alteration is predicted to be deleterious by in silico analysis. Since supporting evidence is limited at this time, the clinical significance of this alteration remains unclear.